The following is an entry in ClinVar:

ClinVar aggregate classification (germline): Uncertain significance (1 of 4 stars; one submission).

gnomAD v4.1: 1 of 1,211,394 alleles (0.000083%); highest among the groups gnomAD compares: Non-Finnish European, 0.00011%; no homozygotes.

Submission:

GeneDx
Classification: Uncertain significance. Last evaluated: 2022-03-31. Review status: criteria provided, single submitter. Criteria: GeneDx Variant Classification Process June 2021. Collection method: clinical testing. Allele origin: germline. Affected: yes.
Comment: Not observed at significant frequency in large population cohorts (gnomAD); In silico analysis supports that this missense variant has a deleterious effect on protein structure/function; Has not been previously published as pathogenic or benign to our knowledge

NM_001008537.3(NEXMIF):c.1034G>A (p.Cys345Tyr)

Gene: NEXMIF (neurite extension and migration factor; minus strand). Cytogenetic location: Xq13.3.
Variant type: single nucleotide variant.
Coding change: c.1034G>A on transcript NM_001008537.3 (MANE Select); coding-DNA position 1034, G replaced by A.
Protein change: p.Cys345Tyr; replaces cysteine 345 with tyrosine.
Molecular consequence: missense variant.
Genome position (GRCh38, 1-based): chrX:74,743,523, C>T on the plus strand (G>A on the coding strand, the complement: NEXMIF is on the minus strand). VCF-style: chrX-74743523-C-T. GRCh37 (hg19) VCF-style: chrX-73963358-C-T.
Other names: short protein forms C345Y.
Identifiers: ClinVar variation 1707935 (VCV001707935.2), dbSNP rs1362175878, ClinGen allele CA413671733.